The following is an entry in ClinVar:

NM_000077.5(CDKN2A):c.325G>C (p.Ala109Pro)

Gene: CDKN2A (cyclin dependent kinase inhibitor 2A; minus strand). Cytogenetic location: 9p21.3.
Variant type: single nucleotide variant.
Coding change: c.325G>C on transcript NM_000077.5; coding-DNA position 325, G replaced by C.
Protein change: p.Ala109Pro; replaces alanine 109 with proline.
Molecular consequence: missense variant (on NM_000077.6). On other transcripts: 3 prime UTR variant (1).
Genome position (GRCh38, 1-based): chr9:21,971,034, C>G on the plus strand (G>C on the coding strand, the complement: CDKN2A is on the minus strand). VCF-style: chr9-21971034-C-G. GRCh37 (hg19) VCF-style: chr9-21971033-C-G.
Other names: p.A109P:GCC>CCC; c.325G>C, p.Ala109Pro (NM_000077.6, NM_001195132.2); c.172G>C, p.Ala58Pro (NM_001363763.2); c.368G>C, p.Cys123Ser (NM_058195.4); c.*248G>C (NM_058197.5); short protein forms A109P, C123S, A58P.
Identifiers: ClinVar variation 127525 (VCV000127525.44), dbSNP rs372481694, ClinGen allele CA287168.

ClinVar aggregate classification (germline): Uncertain significance. Review status: criteria provided, multiple submitters, no conflicts (2 of 4 stars). 12 submissions from 12 submitters: Uncertain significance (12). Last evaluated 2026-01-20.

Conditions:
Melanoma-pancreatic cancer syndrome. Identifiers: Orphanet 404560, MedGen C1838547, MONDO:0011713, OMIM 606719. Disease mechanism: loss of function.
Melanoma and neural system tumor syndrome. Also called: MELANOMA-ASTROCYTOMA SYNDROME. Identifiers: Orphanet 252206, MedGen C1835042, MONDO:0007967, OMIM 155755.
CDKN2A-related disorder. Also called: CDKN2A-related condition.
Hereditary cancer. Identifiers: MedGen C1333600.
Familial melanoma. Also called: Hereditary melanoma; Hereditary cutaneous melanoma. Identifiers: Orphanet 618, MedGen C1512419, MONDO:0018961.
Hereditary cancer-predisposing syndrome. Also called: Neoplastic Syndromes, Hereditary; Tumor predisposition; Hereditary Cancer Syndrome; Hereditary neoplastic syndrome. Identifiers: Orphanet 140162, MedGen C0027672, MeSH D009386, MONDO:0015356.

Allele frequency attached by ClinVar (database versions not stated): gnomAD exomes below 0.00001 and 0.00002; ExAC 0.00001; gnomAD 0.00009; TOPMed 0.00010; ESP Exome Variant Server 0.00015.
gnomAD v4.1: 19 of 1,606,256 alleles (0.0012%); highest among the groups gnomAD compares: African/African-American, 0.02%; no homozygotes.

Submissions 1 to 9 of 12:

Labcorp Genetics (formerly Invitae), Labcorp
Classification: Uncertain significance for Familial melanoma. Last evaluated: 2026-01-20. Review status: criteria provided, single submitter. Criteria: Invitae Variant Classification Sherloc (09022015). Collection method: clinical testing. Allele origin: germline.
Comment: The CDKN2A gene encodes two different proteins, p16INK4a and p14ARF, which are translated from alternative transcripts with different open reading frames. Both transcripts have been analyzed. We report either the variant with the higher classification or default to the CDKN2A (p16INK4a) variant. This report therefore includes the details for the CDKN2A (p16INK4a) variant. This sequence change replaces alanine, which is neutral and non-polar, with proline, which is neutral and non-polar, at codon 109 of the CDKN2A (p16INK4a) protein (p.Ala109Pro). This variant is present in population databases (rs372481694, gnomAD 0.01%). This variant has not been reported in the literature in individuals affected with CDKN2A (p16INK4a)-related conditions. This variant is also known as c.368G>C (p.Cys123Ser) in the CDKN2A (p14ARF) transcript. ClinVar contains an entry for this variant (Variation ID: 127525). An algorithm developed to predict the effect of missense changes on protein structure and function (PolyPhen-2) suggests that this variant is likely to be disruptive. In summary, the available evidence is currently insufficient to determine the role of this variant in disease. Therefore, it has been classified as a Variant of Uncertain Significance.

PreventionGenetics, part of Exact Sciences
Classification: Uncertain significance for CDKN2A-related condition. Last evaluated: 2025-10-29. Review status: criteria provided, single submitter. Criteria: ACMG Guidelines, 2015. Collection method: clinical testing. Allele origin: germline.
Comment: The CDKN2A c.325G>C variant is predicted to result in the amino acid substitution p.Ala109Pro. On the p14ARF transcript (NM_058195.3), this variant causes a different missense alteration c.368G>C (p.Cys123Ser). This variant has been reported as a variant of uncertain significance in one individual with melanoma and another individual with breast cancer, and some functional data support its pathogenicity (functional data in supp file 2, Kimura et al. 2022. PubMed ID: 35001868; Pereira et al. 2022. PubMed ID: 35980532). An alternate missense change at this amino acid position has also been reported in a patient with melanoma (p.Ala109Val; Casula et al. 2007. PubMed ID: 17055252). This variant is reported in 0.013% of alleles in individuals of African descent in gnomAD and has been classified as a variant of uncertain significance by multiple labs in the ClinVar database (Variation ID: 127525). At this time, the clinical significance of this variant is uncertain due to the absence of conclusive functional and genetic evidence.

Ambry Genetics
Classification: Uncertain significance for Hereditary cancer-predisposing syndrome. Last evaluated: 2025-09-02. Review status: criteria provided, single submitter. Criteria: Ambry Variant Classification Scheme 2023. Collection method: clinical testing. Allele origin: germline.
Comment: The p.A109P variant (also known as c.325G>C), located in coding exon 2 of the CDKN2A gene, results from a G to C substitution at nucleotide position 325. The alanine at codon 109 is replaced by proline, an amino acid with highly similar properties. Of note, this variant is also known as p.C123S (c.368G>C) in the p14(ARF) isoform. A functional study reported this variant as deleterious based on in-vitro assessment of impact on proliferation in human pancreatic cancer cell lines (Kimura H et al. Elife. 2022 01;11:). This amino acid position is not well conserved in available vertebrate species. In addition, the in silico prediction for this alteration is inconclusive. Since supporting evidence is limited at this time, the clinical significance of this alteration remains unclear.

Quest Diagnostics Nichols Institute San Juan Capistrano
Classification: Uncertain significance. Last evaluated: 2025-08-14. Review status: criteria provided, single submitter. Criteria: Quest Diagnostics criteria. Collection method: clinical testing. Allele origin: unknown.
Comment: The CDKN2A c.325G>C (p.Ala109Pro) variant has been reported in the published literature in individuals with breast cancer (PMID: 35980532 (2022)), and myeloid malignancy (PMID: 31911633)). A functional study demonstrated that this variant had an inconclusive effect on protein function, with increased proliferation in human pancreatic cancer cell models (PMID: 35001868 (2022)). The frequency of this variant in the general population (Genome Aggregation Database) is higher than would generally be expected for pathogenic variants in this gene. Analysis of this variant using bioinformatics tools for the prediction of the effect of amino acid changes on protein structure and function yielded predictions that this variant is damaging. Based on the available information, we are unable to determine the clinical significance of this variant. In the alternate reading frame of the CDKN2A (p14) gene, this variant is known as c.368G>C (p.Cys123Ser), and has not been reported in individuals with CDKN2A-related conditions in the published literature. The frequency of this variant in the general population (Genome Aggregation Database) is higher than would generally be expected for pathogenic variants in this gene. Analysis of this variant using bioinformatics tools for the prediction of the effect of amino acid changes on protein structure and function yielded conflicting predictions that this variant is deleterious or benign. Based on the available information, we are unable to determine the clinical significance of this variant.

Mendelics
Classification: Uncertain significance for Hereditary cancer. Last evaluated: 2025-02-26. Review status: criteria provided, single submitter. Criteria: ACMG Guidelines, 2015. Collection method: clinical testing. Allele origin: unknown.
Comment: The available evidence is insufficient to conclusively determine the role of this variant. Therefore, it is classified as a Variant of Uncertain Significance.

Dasa
Classification: Uncertain significance. Last evaluated: 2025-01-15. Review status: criteria provided, single submitter. Criteria: DASA Assertion Criteria. Collection method: clinical testing. Allele origin: germline.
Comment: NM_000077.5(CDKN2A):c.325G>C (p.Ala109Pro) is a missense variant that results in the substitution of alanine with proline. Functional evidence supports an impact on the gene or gene product (PMID: 35001868). Also, this variant is rare in population databases. The currently available literature and clinical evidence are not sufficient to establish a definitive association between this variant and the reported condition. Therefore, this variant is classified as a variant of uncertain significance.

Color Diagnostics, LLC DBA Color Health
Classification: Uncertain significance for Hereditary cancer-predisposing syndrome. Last evaluated: 2024-10-21. Review status: criteria provided, single submitter. Criteria: ACMG Guidelines, 2015. Collection method: clinical testing. Allele origin: germline.
Comment: The CDKN2A locus encodes two different gene products, p16INK4a and p14ARF. This missense variant replaces alanine with proline at codon 109 of the CDKN2A (p16INK4A) protein. Computational prediction tool is inconclusive regarding the impact of this variant on protein structure and function. Functional studies conducted in a cell proliferation assay showed this variant had a deleterious impact. This variant has not been reported in individuals affected with hereditary cancer in the literature. This variant has been identified in 6/267988 chromosomes in the general population by the Genome Aggregation Database (gnomAD). The available evidence is insufficient to determine the role of this variant in disease conclusively. Therefore, this variant is classified as a Variant of Uncertain Significance.

Baylor Genetics
Classification: Uncertain significance for Melanoma and neural system tumor syndrome. Last evaluated: 2023-09-25. Review status: criteria provided, single submitter. Criteria: ACMG Guidelines, 2015. Collection method: clinical testing. Allele origin: unknown.

GeneDx
Classification: Uncertain significance. Last evaluated: 2023-09-05. Review status: criteria provided, single submitter. Criteria: GeneDx Variant Classification Process June 2021. Collection method: clinical testing. Allele origin: germline. Affected: yes.
Comment: Published functional studies demonstrate a deleterious effect on regulation of cellular proliferation (Kimura et al., 2022); In silico analysis supports that this missense variant has a deleterious effect on protein structure/function; This variant is associated with the following publications: (PMID: 17055252, 27756164, 35001868, 9166859, 28765326, 7718873, 18519632, 27960642, 16818274)